The following is an entry in ClinVar:

ClinVar aggregate classification (germline): Pathogenic. Review status: reviewed by expert panel (3 of 4 stars). 12 submissions from 12 submitters: Pathogenic (1). 11 of the submissions do not count toward it. Last evaluated 2013-09-05.

Conditions:
Hereditary nonpolyposis colon cancer (HNPCC). Also called: Hereditary Nonpolyposis Colorectal Cancer Syndrome; Hereditary nonpolyposis colorectal cancer; Familial nonpolyposis colon cancer. Identifiers: Orphanet 443909, MedGen C1333990, MONDO:0018630. Disease mechanism: loss of function.
Hereditary nonpolyposis colorectal neoplasms. Identifiers: MedGen C0009405, MeSH D003123.
Hereditary cancer-predisposing syndrome. Also called: Hereditary Cancer Syndrome; Tumor predisposition; Neoplastic Syndromes, Hereditary; Hereditary neoplastic syndrome. Identifiers: Orphanet 140162, MedGen C0027672, MeSH D009386, MONDO:0015356.
Lynch syndrome. Identifiers: Orphanet 144, MedGen C4552100, MONDO:0005835. Disease mechanism: loss of function.
Lynch syndrome 4 (LYNCH4). Also called: Colorectal cancer, hereditary nonpolyposis, type 4; Hereditary non-polyposis colorectal cancer, type 4. Identifiers: Orphanet 144, MedGen C1838333, MONDO:0013699, OMIM 614337. Disease mechanism: loss of function.

Submissions (12):

International Society for Gastrointestinal Hereditary Tumours (InSiGHT)
Classification: Pathogenic for Lynch Syndrome. Last evaluated: 2013-09-05. Review status: reviewed by expert panel. Criteria: Guidelines v1.9. Collection method: research. Allele origin: germline.
Comment: Coding sequence variation resulting in a stop codon

Classified with v1.9 guidelines

Labcorp Genetics (formerly Invitae), Labcorp
Classification: Pathogenic for Hereditary nonpolyposis colorectal neoplasms. Last evaluated: 2026-01-17. Review status: criteria provided, single submitter. Criteria: Invitae Variant Classification Sherloc (09022015). Collection method: clinical testing. Allele origin: germline. Not counted in ClinVar's aggregate classification.
Comment: This sequence change creates a premature translational stop signal (p.Asn371Ilefs*2) in the PMS2 gene. It is expected to result in an absent or disrupted protein product. Loss-of-function variants in PMS2 are known to be pathogenic (PMID: 21376568, 24362816). Information on the frequency of this variant in the gnomAD database is not available, as this variant may be reported differently in the database. This premature translational stop signal has been observed in individual(s) with breast cancer and/or clinical features of Lynch syndrome (PMID: 26110232, 26681312). Studies have shown that this premature translational stop signal alters PMS2 gene expression (PMID: 26110232). For these reasons, this variant has been classified as Pathogenic.

Center for Genomic Medicine, Rigshospitalet, Copenhagen University Hospital
Classification: Pathogenic. Last evaluated: 2025-12-29. Review status: criteria provided, single submitter. Criteria: ACMG Guidelines, 2015. Collection method: clinical testing. Allele origin: germline. Not counted in ClinVar's aggregate classification.

Women's Health and Genetics/Laboratory Corporation of America, LabCorp
Classification: Pathogenic for Hereditary nonpolyposis colon cancer. Last evaluated: 2025-04-30. Review status: criteria provided, single submitter. Criteria: LabCorp Variant Classification Summary - May 2015. Collection method: clinical testing. Allele origin: germline. Not counted in ClinVar's aggregate classification.
Comment: Variant summary: PMS2 c.1112_1113delinsTTTA (p.Asn371IlefsX2) results in a premature termination codon, predicted to cause absence of the protein due to nonsense mediated decay, which is a commonly known mechanism for disease. The variant was absent in 251318 control chromosomes (gnomAD). c.1112_1113delinsTTTA has been observed in a family affected with Lynch Syndrome (Suerink_2015) and in at least one individual with a history of breast cancer (Susswein_2016, Roberts_2018). These data indicate that the variant is very likely to be associated with disease. At least one publication reports experimental evidence finding that no mRNA expression was seen from the mutated allele (Suerink_2015). The following publications have been ascertained in the context of this evaluation (PMID: 26681312, 29345684, 26110232). ClinVar contains an entry for this variant (Variation ID: 91290). Based on the evidence outlined above, the variant was classified as pathogenic.

CeGaT Center for Human Genetics Tuebingen
Classification: Pathogenic. Last evaluated: 2025-02-01. Review status: criteria provided, single submitter. Criteria: CeGaT Center For Human Genetics Tuebingen Variant Classification Criteria Version 2. Collection method: clinical testing. Allele origin: germline. Affected: yes. Observed: 1 variant allele. Not counted in ClinVar's aggregate classification.
Comment: PMS2: PVS1, PM2, PS4:Moderate

All of Us Research Program, National Institutes of Health
Classification: Pathogenic for Lynch syndrome. Last evaluated: 2024-08-23. Review status: criteria provided, single submitter. Criteria: ACMG Guidelines, 2015. Collection method: clinical testing. Allele origin: germline. Inheritance: Autosomal dominant inheritance. Observed: 1 variant allele, 1 heterozygote. Not counted in ClinVar's aggregate classification.
Comment: This variant deletes two nucleotides and inserts 4 new nucleotides in exon 10 of the PMS2 gene, creating a frameshift and premature translation stop signal. This variant is expected to result in an absent or non-functional protein product. This variant has been reported in five carriers from a suspected Lynch syndrome family (PMID: 26110232). This variant has not been identified in the general population by the Genome Aggregation Database (gnomAD). Loss of PMS2 function is a known mechanism of disease. Based on the available evidence, this variant is classified as Pathogenic.

This study involves interpretation of variants in research participants for the purpose of population health screening. Participant phenotype was not available at the time of variant classification. Additional details can be found in publication PMID: 35346344, PMCID: PMC8962531

Color Diagnostics, LLC DBA Color Health
Classification: Pathogenic for Hereditary cancer-predisposing syndrome. Last evaluated: 2024-05-08. Review status: criteria provided, single submitter. Criteria: ACMG Guidelines, 2015. Collection method: clinical testing. Allele origin: germline. Not counted in ClinVar's aggregate classification.
Comment: This variant deletes two nucleotides and inserts 4 new nucleotides in exon 10 of the PMS2 gene, creating a frameshift and premature translation stop signal. This variant is expected to result in an absent or non-functional protein product. This variant has been reported in five carriers from a suspected Lynch syndrome family (PMID: 26110232). This variant has not been identified in the general population by the Genome Aggregation Database (gnomAD). Loss of PMS2 function is a known mechanism of disease. Based on the available evidence, this variant is classified as Pathogenic.

GeneDx
Classification: Pathogenic. Last evaluated: 2023-12-02. Review status: criteria provided, single submitter. Criteria: GeneDx Variant Classification Process June 2021. Collection method: clinical testing. Allele origin: germline. Affected: yes. Not counted in ClinVar's aggregate classification.
Comment: Frameshift variant predicted to result in protein truncation or nonsense mediated decay in a gene for which loss-of-function is a known mechanism of disease; Not observed in large population cohorts (gnomAD); Truncating variants in this gene are considered pathogenic by a well-established clinical consortium and/or database; This variant is associated with the following publications: (PMID: 26681312, 29345684, 32719484, 26110232)

Myriad Genetics, Inc.
Classification: Pathogenic for Lynch syndrome 4. Last evaluated: 2023-09-20. Review status: criteria provided, single submitter. Criteria: Myriad Autosomal Dominant, Autosomal Recessive and X-Linked Classification Criteria (2023). Collection method: clinical testing. Allele origin: unknown. Not counted in ClinVar's aggregate classification.
Comment: This variant is considered pathogenic. This variant creates a frameshift predicted to result in premature protein truncation.

Ambry Genetics
Classification: Pathogenic for Hereditary cancer-predisposing syndrome. Last evaluated: 2022-10-05. Review status: criteria provided, single submitter. Criteria: Ambry Variant Classification Scheme 2023. Collection method: clinical testing. Allele origin: germline. Not counted in ClinVar's aggregate classification.
Comment: The c.1112_1113delATinsTTTA pathogenic mutation, located in coding exon 10 of the PMS2 gene, results from the deletion of two nucleotides and insertion of 4 nucleotides causing a translational frameshift with a predicted alternate stop codon (p.N371Ifs*2). This alteration was identified in 1/10030 consecutive patients referred for evaluation by an NGS hereditary cancer panel (Susswein LR et al. Genet. Med., 2016 08;18:823-32). This alteration has also been reported in a genotype-phenotype correlation study of cancer risk in PMS2 mutation carriers (Suerink M et al. Genet. Med., 2016 Apr;18:405-9). In addition to the clinical data presented in the literature, this alteration is expected to result in loss of function by premature protein truncation or nonsense-mediated mRNA decay. As such, this alteration is interpreted as a disease-causing mutation.

Baylor Genetics
Classification: Pathogenic for Lynch syndrome 4. Last evaluated: 2022-07-02. Review status: criteria provided, single submitter. Criteria: ACMG Guidelines, 2015. Collection method: clinical testing. Allele origin: unknown. Not counted in ClinVar's aggregate classification.

Quest Diagnostics Nichols Institute San Juan Capistrano
Classification: Pathogenic. Last evaluated: 2017-12-20. Review status: criteria provided, single submitter. Criteria: Quest Diagnostics criteria. Collection method: clinical testing. Allele origin: germline. Not counted in ClinVar's aggregate classification.

Literature cited by the submitters: PubMed 21376568 (cited by Labcorp Genetics (formerly Invitae), Labcorp); PubMed 24362816 (cited by Labcorp Genetics (formerly Invitae), Labcorp); PubMed 26110232 (cited by 5 submitters); PubMed 26681312 (cited by 3 submitters); PubMed 29345684 (cited by Center for Genomic Medicine, Rigshospitalet, Copenhagen University Hospital and Women's Health and Genetics/Laboratory Corporation of America, LabCorp).

NM_000535.7(PMS2):c.1112_1113delinsTTTA (p.Asn371fs)

Gene: PMS2 (PMS1 homolog 2, mismatch repair system component; minus strand). Cytogenetic location: 7p22.1.
Variant type: Indel.
Coding change: c.1112_1113delinsTTTA on transcript NM_000535.7 (MANE Select); coding-DNA positions 1112 to 1113, AT replaced by TTTA.
Protein change: p.Asn371fs; shifts the reading frame from asparagine 371.
Molecular consequence: frameshift variant. On other transcripts: non-coding transcript variant (1), intron variant (2).
Genome position (GRCh38, 1-based): chr7:5,989,831-5,989,832, AT replaced by TAAA on the plus strand (AT replaced by TTTA on the coding strand, the reverse complement: PMS2 is on the minus strand). VCF-style: chr7-5989831-AT-TAAA. GRCh37 (hg19) VCF-style: chr7-6029462-AT-TAAA.
Other names: c.707_708delinsTTTA, p.Asn236fs (NM_001322003.2, NM_001322004.2, NM_001322005.2 and 1 more transcripts); c.794_795delinsTTTA, p.Asn265fs (NM_001322007.2, NM_001322008.2); c.179_180delinsTTTA, p.Asn60fs (NM_001322011.2, NM_001322012.2); c.539_540delinsTTTA, p.Asn180fs (NM_001322013.2); c.1112_1113delinsTTTA, p.Asn371fs (NM_001322014.2); c.803_804delinsTTTA, p.Asn268fs (NM_001322015.2); c.583+2141_583+2142delinsTTTA (NM_001322010.2); c.988+2141_988+2142delinsTTTA (NM_001322006.2); short protein forms N180fs, N265fs, N60fs, N236fs, N268fs, N371fs.
Identifiers: ClinVar variation 91290 (VCV000091290.40), dbSNP rs587779326, ClinGen allele CA009196.